The following is an entry in ClinVar:

ClinVar aggregate classification (germline): Benign/Likely benign. Review status: criteria provided, multiple submitters, no conflicts (2 of 4 stars). 2 submissions from 2 submitters: Benign (1); Likely benign (1). Last evaluated 2024-06-06.

Conditions:
Ataxia-telangiectasia syndrome (AT). Also called: ATAXIA-TELANGIECTASIA, COMPLEMENTATION GROUP A; ATAXIA-TELANGIECTASIA, FRESNO VARIANT; Ataxia-telangiectasia; Ataxia-telangiectasia, complementation group D; AT, COMPLEMENTATION GROUP C; Ataxia-telangiectasia, complementation group E. Identifiers: Orphanet 100, MedGen C0004135, MONDO:0008840, OMIM 208900.
Familial cancer of breast. Also called: Hereditary breast cancer; BREAST CANCER, FAMILIAL; hereditary breast carcinoma. Identifiers: Orphanet 227535, MedGen C0346153, MONDO:0016419, OMIM 114480. Disease mechanism: loss of function.

Submissions (2):

Myriad Genetics, Inc.
Classification: Benign for Familial cancer of breast. Last evaluated: 2024-06-06. Review status: criteria provided, single submitter. Criteria: Myriad Autosomal Dominant, Autosomal Recessive and X-Linked Classification Criteria (2023). Collection method: clinical testing. Allele origin: unknown.
Comment: This variant is considered benign. This variant is a silent/synonymous amino acid change and it is not expected to impact splicing.

Labcorp Genetics (formerly Invitae), Labcorp
Classification: Likely benign for Ataxia-telangiectasia syndrome. Last evaluated: 2022-03-31. Review status: criteria provided, single submitter. Criteria: Invitae Variant Classification Sherloc (09022015). Collection method: clinical testing. Allele origin: germline.

NM_000051.4(ATM):c.6384G>A (p.Leu2128=)

Genes: ATM (ATM serine/threonine kinase; plus strand), C11orf65 (chromosome 11 open reading frame 65; minus strand). Cytogenetic location: 11q22.3.
Variant type: single nucleotide variant.
Coding change: c.6384G>A on transcript NM_000051.4 (MANE Select); coding-DNA position 6384, G replaced by A.
Protein change: p.Leu2128=; no amino-acid change (leucine 2128 retained).
Molecular consequence: synonymous variant. On other transcripts: intron variant (2).
Genome position (GRCh38, 1-based): chr11:108,319,990, G>A. VCF-style: chr11-108319990-G-A. GRCh37 (hg19) VCF-style: chr11-108190717-G-A.
Other names: c.6384G>A, p.Leu2128= (NM_001351834.2); c.641-10919C>T (NM_001330368.2); c.*39-10919C>T (NM_001351110.2).
Identifiers: ClinVar variation 797923 (VCV000797923.11), dbSNP rs1060501629, ClinGen allele CA476676073.